The following is an entry in ClinVar:

ClinVar aggregate classification (germline): Uncertain significance (1 of 4 stars; one submission).

Submission:

GeneDx
Classification: Uncertain significance. Last evaluated: 2022-04-18. Review status: criteria provided, single submitter. Criteria: GeneDx Variant Classification Process June 2021. Collection method: clinical testing. Allele origin: germline. Affected: yes.
Comment: Not observed at significant frequency in large population cohorts (gnomAD); In silico analysis supports a deleterious effect on splicing; Has not been previously published as pathogenic or benign to our knowledge

NM_021956.5(GRIK2):c.1204-3T>G

Gene: GRIK2 (glutamate ionotropic receptor kainate type subunit 2; plus strand). Cytogenetic location: 6q16.3.
Variant type: single nucleotide variant.
Coding change: c.1204-3T>G on transcript NM_021956.5 (MANE Select); 3 bases into the intron before coding-DNA position 1204, T replaced by G.
Molecular consequence: intron variant.
Genome position (GRCh38, 1-based): chr6:101,818,367, T>G. VCF-style: chr6-101818367-T-G. GRCh37 (hg19) VCF-style: chr6-102266242-T-G.
Other names: c.1204-3T>G (NM_175768.3, NM_001166247.1).
Identifiers: ClinVar variation 1711914 (VCV001711914.2), dbSNP rs1259163258, ClinGen allele CA2580074717.